The following is an entry in ClinVar:

ClinVar aggregate classification (germline): Uncertain significance (1 of 4 stars; one submission).

Conditions:
Progressive myoclonic epilepsy type 8. Identifiers: Orphanet 424027, MedGen C5190825, MONDO:0014545, OMIM 616230.

Allele frequency attached by ClinVar (database versions not stated): gnomAD exomes below 0.00001; TOPMed below 0.00001; ExAC 0.00001.
gnomAD v4.1: 8 of 1,613,782 alleles (0.0005%); highest among the groups gnomAD compares: East Asian, 0.0022%; no homozygotes.

Submission:

Labcorp Genetics (formerly Invitae), Labcorp
Classification: Uncertain significance for Progressive myoclonic epilepsy type 8. Last evaluated: 2022-06-27. Review status: criteria provided, single submitter. Criteria: Invitae Variant Classification Sherloc (09022015). Collection method: clinical testing. Allele origin: germline.
Comment: This sequence change replaces arginine, which is basic and polar, with tryptophan, which is neutral and slightly polar, at codon 321 of the CERS1 protein (p.Arg321Trp). This variant is present in population databases (rs770285954, gnomAD 0.01%). This variant has not been reported in the literature in individuals affected with CERS1-related conditions. Algorithms developed to predict the effect of missense changes on protein structure and function are either unavailable or do not agree on the potential impact of this missense change (SIFT: "Deleterious"; PolyPhen-2: "Probably Damaging"; Align-GVGD: "Class C0"). In summary, the available evidence is currently insufficient to determine the role of this variant in disease. Therefore, it has been classified as a Variant of Uncertain Significance.

NM_021267.5(CERS1):c.961C>T (p.Arg321Trp)

Genes: CERS1 (ceramide synthase 1; minus strand), GDF1 (growth differentiation factor 1; minus strand). Cytogenetic location: 19p13.11.
Variant type: single nucleotide variant.
Coding change: c.961C>T on transcript NM_021267.5 (MANE Select); coding-DNA position 961, C replaced by T.
Protein change: p.Arg321Trp; replaces arginine 321 with tryptophan.
Molecular consequence: missense variant. On other transcripts: 5 prime UTR variant (1), intron variant (1).
Genome position (GRCh38, 1-based): chr19:18,878,979, G>A on the plus strand (C>T on the coding strand, the complement: CERS1 is on the minus strand). VCF-style: chr19-18878979-G-A. GRCh37 (hg19) VCF-style: chr19-18989788-G-A.
Other names: c.667C>T, p.Arg223Trp (NM_001290265.2, NM_001387442.1, NM_001387443.1 and 2 more transcripts); c.961C>T, p.Arg321Trp (NM_001387439.1, NM_001387440.1, NM_198207.3); c.916C>T, p.Arg306Trp (NM_001387441.1); c.-362C>T (NM_001492.6); c.-313+5108C>T (NM_001387438.1); short protein forms R306W, R321W, R223W.
Identifiers: ClinVar variation 1355531 (VCV001355531.3), dbSNP rs770285954, ClinGen allele CA9318079.